The following is an entry in ClinVar:

ClinVar aggregate classification (germline): Likely benign. Review status: criteria provided, multiple submitters, no conflicts (2 of 4 stars). 5 submissions from 5 submitters: Likely benign (5). Last evaluated 2026-01-17.

Conditions:
FLNB-Related Spectrum Disorders.
Larsen syndrome (LRS). Also called: Larsen syndrome (FLNB-LS); Bilateral dislocation of the knees, pes cavus, cylindrically shaped fingers and characteristic facies. Identifiers: Orphanet 503, MedGen C0175778, MONDO:0007875, OMIM 150250. Disease mechanism: loss of function.
Spondylocarpotarsal synostosis syndrome (SCT). Also called: Spondylocarpotarsal Synostosis Syndrome (FLNB-SCT); SPONDYLOCARPOTARSAL SYNDROME; Synspondylism congenital; Scoliosis, congenital with unilateral unsegmented bar; VERTEBRAL FUSION WITH CARPAL COALITION. Identifiers: Orphanet 3275, MedGen C1848934, MONDO:0010094, OMIM 272460.
Boomerang dysplasia. Identifiers: Orphanet 1263, MedGen C0432201, MONDO:0007208, OMIM 112310.
Atelosteogenesis type I. Also called: Atelosteogenesis Type 1 (FLNB-AO1); GIANT CELL CHONDRODYSPLASIA; SPONDYLOHUMEROFEMORAL HYPOPLASIA. Identifiers: Orphanet 1190, MedGen C0265283, MONDO:0007167, OMIM 108720.
Atelosteogenesis type III. Also called: Atelosteogenesis Type 3 (FLNB-AO3). Identifiers: Orphanet 56305, MedGen C3668942, MONDO:0007168, OMIM 108721.
FLNB-related disorder. Also called: FLNB-related disorders; FLNB-related condition. Identifiers: MedGen CN381095.

Allele frequency attached by ClinVar (database versions not stated): gnomAD 0.00020 and 0.00026; TOPMed 0.00023; 1000 Genomes Project 0.00140; 1000 Genomes Project 30x 0.00187.
gnomAD v4.1: 222 of 1,614,122 alleles (0.014%); highest among the groups gnomAD compares: East Asian, 0.37%; 1 homozygote.

Submissions (5):

Labcorp Genetics (formerly Invitae), Labcorp
Classification: Likely benign. Last evaluated: 2026-01-17. Review status: criteria provided, single submitter. Criteria: Invitae Variant Classification Sherloc (09022015). Collection method: clinical testing. Allele origin: germline.

PreventionGenetics, part of Exact Sciences
Classification: Likely benign for FLNB-related condition. Last evaluated: 2025-05-23. Review status: criteria provided, single submitter. Criteria: ACMG Guidelines, 2015. Collection method: clinical testing. Allele origin: germline.
Comment: This variant is classified as likely benign based on ACMG/AMP sequence variant interpretation guidelines (Richards et al. 2015 PMID: 25741868, with internal and published modifications).

Blueprint Genetics
Classification: Likely benign. Last evaluated: 2024-08-30. Review status: criteria provided, single submitter. Criteria: ACMG Guidelines, 2015. Collection method: clinical testing. Allele origin: germline.

Department of Pathology and Laboratory Medicine, Sinai Health System
Classification: Likely benign for Atelosteogenesis type I; Atelosteogenesis type III; Boomerang dysplasia; Larsen syndrome; Spondylocarpotarsal synostosis syndrome. Last evaluated: 2022-10-12. Review status: criteria provided, single submitter. Criteria: ACMG Guidelines, 2015. Collection method: research. Allele origin: germline.

Illumina Laboratory Services, Illumina
Classification: Likely benign for FLNB-Related Spectrum Disorders. Last evaluated: 2018-01-12. Review status: criteria provided, single submitter. Criteria: ICSL Variant Classification Criteria 13 December 2019. Collection method: clinical testing. Allele origin: germline.
Comment: This variant was observed in the ICSL laboratory as part of a predisposition screen in an ostensibly healthy population. It had not been previously curated by ICSL or reported in the Human Gene Mutation Database (HGMD: prior to June 1st, 2018), and was therefore a candidate for classification through an automated scoring system. Utilizing variant allele frequency, disease prevalence and penetrance estimates, and inheritance mode, an automated score was calculated to assess if this variant is too frequent to cause the disease. Based on the score and internal cut-off values, a variant classified as likely benign is not then subjected to further curation. The score for this variant resulted in a classification of likely benign for this disease.

NM_001457.4(FLNB):c.3430G>C (p.Glu1144Gln)

Gene: FLNB (filamin B; plus strand). Cytogenetic location: 3p14.3.
Variant type: single nucleotide variant.
Coding change: c.3430G>C on transcript NM_001457.4 (MANE Select); coding-DNA position 3430, G replaced by C.
Protein change: p.Glu1144Gln; replaces glutamic acid 1144 with glutamine.
Molecular consequence: missense variant.
Genome position (GRCh38, 1-based): chr3:58,123,396, G>C. VCF-style: chr3-58123396-G-C. GRCh37 (hg19) VCF-style: chr3-58109123-G-C.
Other names: c.3430G>C, p.Glu1144Gln (NM_001164317.2, NM_001164318.2, NM_001164319.2); short protein forms E1144Q.
Identifiers: ClinVar variation 734989 (VCV000734989.15), dbSNP rs199959926, ClinGen allele CA2468409.